The following is an entry in ClinVar:

NM_002471.4(MYH6):c.353C>T (p.Ser118Leu)

Genes: MYH6 (myosin heavy chain 6; minus strand), LOC114827851 (VISTA enhancer hs2155; plus strand). Cytogenetic location: 14q11.2.
Variant type: single nucleotide variant.
Coding change: c.353C>T on transcript NM_002471.4 (MANE Select); coding-DNA position 353, C replaced by T.
Protein change: p.Ser118Leu; replaces serine 118 with leucine.
Molecular consequence: missense variant.
Genome position (GRCh38, 1-based): chr14:23,405,372, G>A on the plus strand (C>T on the coding strand, the complement: MYH6 is on the minus strand). VCF-style: chr14-23405372-G-A. GRCh37 (hg19) VCF-style: chr14-23874581-G-A.
Other names: short protein forms S118L.
Identifiers: ClinVar variation 1052381 (VCV001052381.15), dbSNP rs1322526035, ClinGen allele CA389031251.

ClinVar aggregate classification (germline): Uncertain significance. Review status: criteria provided, multiple submitters, no conflicts (2 of 4 stars). 4 submissions from 4 submitters: Uncertain significance (4). Last evaluated 2026-06-30.

Conditions:
Dilated cardiomyopathy 1EE (CMD1EE). Identifiers: Orphanet 154, MedGen C2750466, MONDO:0013198, OMIM 613252.
Hypertrophic cardiomyopathy 14. Identifiers: MedGen C2750467, MONDO:0013197, OMIM 613251.
Cardiovascular phenotype. Identifiers: MedGen CN230736.

Allele frequency attached by ClinVar (database versions not stated): gnomAD exomes below 0.00001; TOPMed below 0.00001; gnomAD 0.00001.
gnomAD v4.1: 3 of 1,614,016 alleles (0.00019%); highest among the groups gnomAD compares: Non-Finnish European, 0.00025%; no homozygotes.

Submissions (4):

Ambry Genetics
Classification: Uncertain significance for Cardiovascular phenotype. Last evaluated: 2026-06-30. Review status: criteria provided, single submitter. Criteria: Ambry Variant Classification Scheme 2023. Collection method: clinical testing. Allele origin: germline.
Comment: The p.S118L variant (also known as c.353C>T), located in coding exon 3 of the MYH6 gene, results from a C to T substitution at nucleotide position 353. The serine at codon 118 is replaced by leucine, an amino acid with dissimilar properties. This variant was reported in an individual with a laterality defect and in an individual with hypoplastic left heart syndrome (Theis JL et al. Circ Genom Precis Med, 2021 Feb;14:e003126; Sierant MC et al. Proc Natl Acad Sci U S A, 2025 Apr;122:e2420343122). This amino acid position is highly conserved in available vertebrate species. In addition, this alteration is predicted to be deleterious by in silico analysis. Based on the available evidence, the clinical significance of this variant remains unclear.

Labcorp Genetics (formerly Invitae), Labcorp
Classification: Uncertain significance for Hypertrophic cardiomyopathy 14. Last evaluated: 2024-08-01. Review status: criteria provided, single submitter. Criteria: Invitae Variant Classification Sherloc (09022015). Collection method: clinical testing. Allele origin: germline.
Comment: This sequence change replaces serine, which is neutral and polar, with leucine, which is neutral and non-polar, at codon 118 of the MYH6 protein (p.Ser118Leu). This variant is not present in population databases (gnomAD no frequency). This variant has not been reported in the literature in individuals affected with MYH6-related conditions. ClinVar contains an entry for this variant (Variation ID: 1052381). Advanced modeling of protein sequence and biophysical properties (such as structural, functional, and spatial information, amino acid conservation, physicochemical variation, residue mobility, and thermodynamic stability) performed at Invitae indicates that this missense variant is expected to disrupt MYH6 protein function with a positive predictive value of 80%. In summary, the available evidence is currently insufficient to determine the role of this variant in disease. Therefore, it has been classified as a Variant of Uncertain Significance.

AiLife Diagnostics
Classification: Uncertain significance. Last evaluated: 2022-01-27. Review status: criteria provided, single submitter. Criteria: ACMG Guidelines, 2015. Collection method: clinical testing. Allele origin: germline. Affected: yes. Observed: 1 variant allele.

GeneDx
Classification: Uncertain significance. Last evaluated: 2020-06-03. Review status: criteria provided, single submitter. Criteria: GeneDx Variant Classification Process June 2021. Collection method: clinical testing. Allele origin: germline. Affected: yes.
Comment: Has not been previously published as pathogenic or benign to our knowledge; Not observed in large population cohorts (Lek et al., 2016); In silico analysis supports that this missense variant has a deleterious effect on protein structure/function

Literature cited by the submitters: PubMed 33325730 (cited by Ambry Genetics); PubMed 40127276 (cited by Ambry Genetics).